The following is an entry in ClinVar:

NM_002880.4(RAF1):c.1922C>T (p.Thr641Met)

Gene: RAF1 (Raf-1 proto-oncogene, serine/threonine kinase; minus strand). Cytogenetic location: 3p25.2.
Variant type: single nucleotide variant.
Coding change: c.1922C>T on transcript NM_002880.4 (MANE Select); coding-DNA position 1922, C replaced by T.
Protein change: p.Thr641Met; replaces threonine 641 with methionine.
Molecular consequence: missense variant. On other transcripts: non-coding transcript variant (3).
Genome position (GRCh38, 1-based): chr3:12,584,539, G>A on the plus strand (C>T on the coding strand, the complement: RAF1 is on the minus strand). VCF-style: chr3-12584539-G-A. GRCh37 (hg19) VCF-style: chr3-12626038-G-A.
Other names: c.1982C>T, p.Thr661Met (NM_001354689.3); c.1922C>T, p.Thr641Met (NM_001354690.3); c.1679C>T, p.Thr560Met (NM_001354691.3, NM_001354692.3); c.1823C>T, p.Thr608Met (NM_001354693.3); c.1739C>T, p.Thr580Met (NM_001354694.3); c.1580C>T, p.Thr527Met (NM_001354695.3); c.[1922C>T] (NM_002880.3); short protein forms T641M, T580M, T608M, T560M, T661M, T527M.
Identifiers: ClinVar variation 142298 (VCV000142298.42), dbSNP rs587777587, ClinGen allele CA167982.

ClinVar aggregate classification (germline): Conflicting classifications of pathogenicity. Review status: criteria provided, conflicting classifications (1 of 4 stars). 9 submissions from 9 submitters: Pathogenic (3); Likely pathogenic (1); Uncertain significance (4). 1 of the submissions does not count toward it. Last evaluated 2025-03-24.

Conditions:
Cardiovascular phenotype. Identifiers: MedGen CN230736.
Dilated cardiomyopathy 1NN. Identifiers: Orphanet 154, MedGen C4014656, MONDO:0014396, OMIM 615916.
Noonan syndrome 5 (NS5). Also called: RAF1-Related Noonan Syndrome. Identifiers: Orphanet 648, MedGen C1969057, MONDO:0012690, OMIM 611553. Disease mechanism: gain of function.
LEOPARD syndrome 2 (LPRD2). Also called: RAF1-Related LEOPARD Syndrome. Identifiers: Orphanet 500, MedGen C1969056, MONDO:0012691, OMIM 611554.
RASopathy. Also called: Noonan spectrum disorder; rasopathies. Identifiers: Orphanet 536391, MedGen C5555857, MONDO:0021060.
Primary dilated cardiomyopathy (DCM). Also called: Dilated Cardiomyopathy. Identifiers: Orphanet 217604, MedGen C0007193, MeSH D002311, MONDO:0005021, HP:0001644. Inheritance: Various modes of inheritance.

Allele frequency attached by ClinVar (database versions not stated): ExAC 0.00001; gnomAD 0.00001; TOPMed 0.00001.
gnomAD v4.1: 13 of 1,614,066 alleles (0.00081%); highest among the groups gnomAD compares: South Asian, 0.0055%; no homozygotes.

Submissions (9):

Labcorp Genetics (formerly Invitae), Labcorp
Classification: Likely pathogenic for RASopathy. Last evaluated: 2025-03-24. Review status: criteria provided, single submitter. Criteria: Invitae Variant Classification Sherloc (09022015). Collection method: clinical testing. Allele origin: germline.
Comment: This sequence change replaces threonine, which is neutral and polar, with methionine, which is neutral and non-polar, at codon 641 of the RAF1 protein (p.Thr641Met). This variant is present in population databases (rs587777587, gnomAD 0.006%). This missense change has been observed in individuals with dilated cardiomyopathy (PMID: 24777450). ClinVar contains an entry for this variant (Variation ID: 142298). Invitae Evidence Modeling incorporating data from in vitro experimental studies (internal data) indicates that this missense variant is not expected to disrupt RAF1 function with a negative predictive value of 80%. Experimental studies have shown that this missense change affects RAF1 function (PMID: 24777450). In summary, the currently available evidence indicates that the variant is pathogenic, but additional data are needed to prove that conclusively. Therefore, this variant has been classified as Likely Pathogenic.

Ambry Genetics
Classification: Uncertain significance for Cardiovascular phenotype. Last evaluated: 2024-09-27. Review status: criteria provided, single submitter. Criteria: Ambry Variant Classification Scheme 2023. Collection method: clinical testing. Allele origin: germline.
Comment: The p.T641M variant (also known as c.1922C>T), located in coding exon 16 of the RAF1 gene, results from a C to T substitution at nucleotide position 1922. The threonine at codon 641 is replaced by methionine, an amino acid with similar properties. This variant has been reported in a dilated cardiomyopathy cohort and prenatal anomaly cohort (Dhandapany PS et al. Nat Genet, 2014 Jun;46:635-639; Zhu X et al. Ultrasound Obstet Gynecol, 2022 Dec;60:780-792). Functional studies suggest the variant had kinase activities that were mildly increased; however, additional evidence is needed to confirm this finding (Dhandapany PS et al. Nat Genet, 2014 Jun;46:635-639). This amino acid position is highly conserved in available vertebrate species. In addition, the in silico prediction for this alteration is inconclusive. Based on the available evidence, the clinical significance of this variant remains unclear.

CeGaT Center for Human Genetics Tuebingen
Classification: Uncertain significance. Last evaluated: 2023-04-01. Review status: criteria provided, single submitter. Criteria: CeGaT Center For Human Genetics Tuebingen Variant Classification Criteria Version 2. Collection method: clinical testing. Allele origin: germline. Affected: yes. Observed: 1 variant allele.
Comment: RAF1: PS3:Moderate, PS4:Moderate, PM2:Supporting

3billion
Classification: Pathogenic for Dilated cardiomyopathy 1NN. Last evaluated: 2022-05-22. Review status: criteria provided, single submitter. Criteria: ACMG Guidelines, 2015. Collection method: clinical testing. Allele origin: germline. Affected: yes. Observed: 1 heterozygote.
Comment: The variant is observed at an extremely low frequency in the gnomAD v2.1.1 dataset (total allele frequency: 0.001%). The variant is located in a mutational hot spot and/or well-established functional domain in which established pathogenic variants have been reported. Missense changes are a common disease-causing mechanism. Functional studies provide strong evidence of the variant having a damaging effect on the gene or gene product (PMID: 24777450). In silico tool predictions suggest damaging effect of the variant on gene or gene product (REVEL: 0.71; 3Cnet: 0.89). Same nucleotide change resulting in same amino acid change has been previously reported as pathogenic/likely pathogenic with strong evidence (ClinVar ID: VCV000142298). Therefore, this variant is classified as pathogenic according to the recommendation of ACMG/AMP guideline.

GeneDx
Classification: Uncertain significance. Last evaluated: 2021-03-11. Review status: criteria provided, single submitter. Criteria: GeneDx Variant Classification Process June 2021. Collection method: clinical testing. Allele origin: germline. Affected: yes.
Comment: Missense variants in this gene are often considered pathogenic (Stenson et al., 2014); In silico analysis supports that this missense variant does not alter protein structure/function; Reported in ClinVar, but additional evidence is not available (ClinVar Variant ID# 142298; Landrum et al., 2016); This variant is associated with the following publications: (PMID: 31589614, 24777450)

Center for Advanced Laboratory Medicine, UC San Diego Health, University of California San Diego
Classification: Pathogenic for Dilated cardiomyopathy. Last evaluated: 2019-05-08. Review status: criteria provided, single submitter. Criteria: ACMG Guidelines, 2015. Collection method: clinical testing. Allele origin: germline. Affected: yes. Observed: 1 variant allele.

Juno Genomics, Hangzhou Juno Genomics, Inc
Classification: Uncertain significance for Dilated cardiomyopathy 1NN; LEOPARD syndrome 2; Noonan syndrome 5. Review status: criteria provided, single submitter. Criteria: ACMG Guidelines, 2015. Collection method: clinical testing. Allele origin: germline.
Comment: Well-established in vitro or in vivo functional studies supportive of a damaging effect on the gene or gene product.;The prevalence of the variant in affected individuals is significantly increased compared to the prevalence in controls.

Neuberg Centre For Genomic Medicine, NCGM
Classification: Pathogenic for Dilated cardiomyopathy 1NN. Review status: criteria provided, single submitter. Criteria: ACMG Guidelines, 2015. Collection method: clinical testing. Allele origin: germline. Affected: yes.
Comment: The missense variant p.T641M in RAF1 (NM_002880.4) has been reported previously in patients affected with childhood onset cardiomyopathy (Dhandapany S et al). Functional studies in zebrafish revealed a heart failure phenotype. It has been submitted to the ClinVar database as Pathogenic. There is a moderate physicochemical difference between threonine and methionine. The p.T641M missense variant is predicted to be damaging by both SIFT and PolyPhen2. The threonine residue at codon 641 of RAF1 is conserved in all mammalian species. The nucleotide c.1922 in RAF1 is predicted conserved by GERP++ and PhyloP across 100 vertebrates. For these reasons, this variant has been classified as Pathogenic.

OMIM
Classification: Pathogenic for CARDIOMYOPATHY, DILATED, 1NN. Last evaluated: 2014-06-01. Review status: no assertion criteria provided. Collection method: literature only. Allele origin: germline. Not counted in ClinVar's aggregate classification.

Literature cited by the submitters: PubMed 24777450 (cited by 4 submitters); PubMed 35726512 (cited by Ambry Genetics); PubMed 29493581 (cited by 3billion).